The following is an entry in ClinVar:

NM_020318.3(PAPPA2):c.1038C>T (p.Arg346=)

Gene: PAPPA2 (pappalysin 2; plus strand). Cytogenetic location: 1q25.2.
Variant type: single nucleotide variant.
Coding change: c.1038C>T on transcript NM_020318.3 (MANE Select); coding-DNA position 1038, C replaced by T.
Protein change: p.Arg346=; no amino-acid change (arginine 346 retained).
Molecular consequence: synonymous variant.
Genome position (GRCh38, 1-based): chr1:176,594,642, C>T. VCF-style: chr1-176594642-C-T. GRCh37 (hg19) VCF-style: chr1-176563778-C-T.
Other names: c.1038C>T, p.Arg346= (NM_021936.3).
Identifiers: ClinVar variation 4533653 (VCV004533653.8).

ClinVar aggregate classification (germline): Benign/Likely benign. Review status: criteria provided, multiple submitters, no conflicts (2 of 4 stars). 3 submissions from 3 submitters: Benign (1); Likely benign (2). Last evaluated 2026-06-04.

gnomAD v4.1: 414 of 1,614,182 alleles (0.026%); highest among the groups gnomAD compares: Middle Eastern, 0.38%; no homozygotes.

Submissions (3):

Women's Health and Genetics/Laboratory Corporation of America, LabCorp
Classification: Benign. Last evaluated: 2026-06-04. Review status: criteria provided, single submitter. Criteria: LabCorp Variant Classification Summary - May 2015. Collection method: clinical testing. Allele origin: germline.
Comment: Variant summary: PAPPA2 c.1038C>T results in a synonymous change. Consensus agreement among computation tools predict no significant impact on normal splicing. However, these predictions have yet to be confirmed by functional studies. The variant allele was found at a frequency of 0.00036 in 249568 control chromosomes, predominantly at a frequency of 0.0044 within the Ashkenazi Jewish subpopulation in the gnomAD database. The observed variant frequency within Ashkenazi Jewish control individuals in the gnomAD database exceeds the estimated maximal expected allele frequency for disease-causing variants in PAPPA2. To our knowledge, no occurrence of c.1038C>T in individuals affected with PAPPA2-related conditions and no experimental evidence demonstrating its impact on protein function have been reported. ClinVar contains an entry for this variant (Variation ID: 4533653). Based on the evidence outlined above, the variant was classified as benign.

CeGaT Center for Human Genetics Tuebingen
Classification: Likely benign. Last evaluated: 2025-11-01. Review status: criteria provided, single submitter. Criteria: CeGaT Center For Human Genetics Tuebingen Variant Classification Criteria Version 2. Collection method: clinical testing. Allele origin: germline. Affected: yes. Observed: 1 variant allele.
Comment: PAPPA2: BP4, BP7

Blueprint Genetics
Classification: Likely benign. Last evaluated: 2024-10-22. Review status: criteria provided, single submitter. Criteria: ACMG Guidelines, 2015. Collection method: clinical testing. Allele origin: germline.